The following is an entry in ClinVar:

ClinVar aggregate classification (germline): Uncertain significance (1 of 4 stars; one submission).

Conditions:
Congenital disorder of glycosylation type Ir (CDG1R). Also called: DDOST-congenital disorder of glycosylation. Identifiers: Orphanet 300536, MedGen C3281084, MONDO:0013789, OMIM 614507.

Submission:

Labcorp Genetics (formerly Invitae), Labcorp
Classification: Uncertain significance for Congenital disorder of glycosylation type Ir. Last evaluated: 2025-10-09. Review status: criteria provided, single submitter. Criteria: Invitae Variant Classification Sherloc (09022015). Collection method: clinical testing. Allele origin: germline.
Comment: This sequence change replaces serine, which is neutral and polar, with proline, which is neutral and non-polar, at codon 11 of the DDOST protein (p.Ser11Pro). This variant is not present in population databases (gnomAD no frequency). This variant has not been reported in the literature in individuals affected with DDOST-related conditions. An algorithm developed to predict the effect of missense changes on protein structure and function (PolyPhen-2) suggests that this variant is likely to be tolerated. In summary, the available evidence is currently insufficient to determine the role of this variant in disease. Therefore, it has been classified as a Variant of Uncertain Significance.

NC_000001.11:g.20661371A>G

Gene: DDOST (dolichyl-diphosphooligosaccharide--protein glycosyltransferase non-catalytic subunit; minus strand). Cytogenetic location: 1p36.12.
Variant type: single nucleotide variant.
Genome position: GRCh38 VCF-style: chr1-20661371-A-G. GRCh37 (hg19) VCF-style: chr1-20987864-A-G.
Identifiers: ClinVar variation 4728828 (VCV004728828.1).